The following is an entry in ClinVar:

ClinVar aggregate classification (germline): Likely benign (1 of 4 stars; one submission).

Submission:

GeneDx
Classification: Likely benign. Last evaluated: 2021-11-23. Review status: criteria provided, single submitter. Criteria: GeneDx Variant Classification Process June 2021. Collection method: clinical testing. Allele origin: germline. Affected: yes.
Comment: See Variant Classification Assertion Criteria.

NM_052989.3(IFT122):c.*128dup

Gene: IFT122 (intraflagellar transport 122; plus strand). Cytogenetic location: 3q22.1.
Variant type: Duplication.
Coding change: c.*128dup on transcript NM_052989.3 (MANE Select); 128 bases downstream of the stop codon, one base duplicated (G; older notation c.*128dupG).
Molecular consequence: 3 prime UTR variant.
Genome position (GRCh38, 1-based): chr3:129,520,393, G duplicated; the last of 8 consecutive G bases (chr3:129,520,386-129,520,393); duplicating any one gives the same sequence. VCF-style (leftmost placement, unchanged base first): chr3-129520385-T-TG. GRCh37 (hg19) VCF-style: chr3-129239228-T-TG.
Other names: c.*128dup (NM_001280541.2, NM_001280545.2, NM_001280546.2 and 10 more transcripts).
Identifiers: ClinVar variation 2442635 (VCV002442635.1), dbSNP rs546420958, ClinGen allele CA82640931.